The following is an entry in ClinVar:

ClinVar aggregate classification (germline): Uncertain significance. Review status: criteria provided, multiple submitters, no conflicts (2 of 4 stars). 2 submissions from 2 submitters: Uncertain significance (2). Last evaluated 2024-10-15.

Conditions:
Inborn genetic diseases. Identifiers: MedGen C0950123, MeSH D030342.

Allele frequency attached by ClinVar (database versions not stated): ExAC 0.00002; gnomAD exomes 0.00002 and 0.00007; gnomAD 0.00003 and 0.00004; TOPMed 0.00003.
gnomAD v4.1: 112 of 1,614,020 alleles (0.0069%); highest among the groups gnomAD compares: Non-Finnish European, 0.0092%; no homozygotes.

Submissions (2):

Labcorp Genetics (formerly Invitae), Labcorp
Classification: Uncertain significance. Last evaluated: 2024-10-15. Review status: criteria provided, single submitter. Criteria: Invitae Variant Classification Sherloc (09022015). Collection method: clinical testing. Allele origin: germline.
Comment: This sequence change replaces glutamic acid, which is acidic and polar, with lysine, which is basic and polar, at codon 293 of the EIF2B4 protein (p.Glu293Lys). This variant is present in population databases (rs763088766, gnomAD 0.005%). This variant has not been reported in the literature in individuals affected with EIF2B4-related conditions. ClinVar contains an entry for this variant (Variation ID: 1443381). An algorithm developed to predict the effect of missense changes on protein structure and function (PolyPhen-2) suggests that this variant¬†is likely to be tolerated. In summary, the available evidence is currently insufficient to determine the role of this variant in disease. Therefore, it has been classified as a Variant of Uncertain Significance.

Ambry Genetics
Classification: Uncertain significance for Inborn genetic diseases. Last evaluated: 2024-06-18. Review status: criteria provided, single submitter. Criteria: Ambry Variant Classification Scheme 2023. Collection method: clinical testing. Allele origin: germline.

NM_001034116.2(EIF2B4):c.880G>A (p.Glu294Lys)

Genes: EIF2B4 (eukaryotic translation initiation factor 2B subunit delta; minus strand), GTF3C2-AS2 (GTF3C2 antisense RNA 2; plus strand). Cytogenetic location: 2p23.3.
Variant type: single nucleotide variant.
Coding change: c.880G>A on transcript NM_001034116.2 (MANE Select); coding-DNA position 880, G replaced by A.
Protein change: p.Glu294Lys; replaces glutamic acid 294 with lysine.
Molecular consequence: missense variant.
Genome position (GRCh38, 1-based): chr2:27,367,462, C>T on the plus strand (G>A on the coding strand, the complement: EIF2B4 is on the minus strand). VCF-style: chr2-27367462-C-T. GRCh37 (hg19) VCF-style: chr2-27590329-C-T.
Other names: c.943G>A, p.Glu315Lys (NM_001318965.2); c.835G>A, p.Glu279Lys (NM_001318966.2); c.787G>A, p.Glu263Lys (NM_001318967.2); c.295G>A, p.Glu99Lys (NM_001318968.2); c.262G>A, p.Glu88Lys (NM_001318969.2); c.877G>A, p.Glu293Lys (NM_015636.4); c.940G>A, p.Glu314Lys (NM_172195.4); c.877G>A (NM_015636.3); short protein forms E294K, E314K, E293K, E315K, E99K, E263K, E279K, E88K.
Identifiers: ClinVar variation 1443381 (VCV001443381.6), dbSNP rs763088766, ClinGen allele CA1576748.